The following is an entry in ClinVar:

ClinVar aggregate classification (germline): Pathogenic/Likely pathogenic. Review status: criteria provided, multiple submitters, no conflicts (2 of 4 stars). 3 submissions from 3 submitters: Pathogenic (1); Likely pathogenic (2). Last evaluated 2026-08-18.

Conditions:
Nonsyndromic congenital nail disorder 8. Also called: TOENAIL DYSTROPHY, ISOLATED. Identifiers: MedGen C1843761, MONDO:0011852, OMIM 607523.
Epidermolysis bullosa pruriginosa. Also called: DEB, PRURIGINOSA; DYSTROPHIC EPIDERMOLYSIS BULLOSA PRURIGINOSA. Identifiers: Orphanet 89843, MedGen C1275114, MONDO:0011398, OMIM 604129.
Recessive dystrophic epidermolysis bullosa (RDEB). Also called: epidermolysis bullosa dystrophica, autosomal recessive; Recessive DEB (RDEB); Hallopeau-Siemens Disease; DYSTROPHIC EPIDERMOLYSIS BULLOSA, AUTOSOMAL RECESSIVE; EPIDERMOLYSIS BULLOSA DYSTROPHICA, HALLOPEAU-SIEMENS TYPE; EPIDERMOLYSIS BULLOSA DYSTROPHICA, GENERALIZED SEVERE, AUTOSOMAL RECESSIVE. Identifiers: Orphanet 79408, Orphanet 79409, MedGen C0079474, MONDO:0009179, OMIM 226600.
Dominant dystrophic epidermolysis bullosa with absence of skin. Also called: EPIDERMOLYSIS BULLOSA WITH CONGENITAL LOCALIZED ABSENCE OF SKIN AND DEFORMITY OF NAILS; EPIDERMOLYSIS BULLOSA DYSTROPHICA, BART TYPE. Identifiers: MedGen C0268371, MONDO:0007557, OMIM 132000.
Transient bullous dermolysis of the newborn (TBDN). Also called: EPIDERMOLYSIS BULLOSA DYSTROPHICA, NEONATAL FORM; DYSTROPHIC EPIDERMOLYSIS BULLOSA, NEONATAL. Identifiers: Orphanet 79411, MedGen C1851573, MONDO:0007548, OMIM 131705.
Pretibial dystrophic epidermolysis bullosa. Also called: Pretibial epidermolysis bullosa; EPIDERMOLYSIS BULLOSA DYSTROPHICA, PRETIBIAL; Pretibial blistering. Identifiers: Orphanet 79410, MedGen C0432321, MONDO:0007552, OMIM 131850, HP:0012221.
Generalized dominant dystrophic epidermolysis bullosa (DDEB). Also called: Dominant DEB (DDEB); DDEB, generalized; DDEB-gen; DYSTROPHIC EPIDERMOLYSIS BULLOSA, AUTOSOMAL DOMINANT; Epidermolysis bullosa dystrophica, autosomal dominant. Identifiers: Orphanet 231568, MedGen C0432322, MONDO:0007549, OMIM 131750.
COL7A1-related disorder. Also called: COL7A1- related disorders; COL7A1-related condition.

Submissions (3):

Myriad Genetics, Inc.
Classification: Pathogenic for Recessive dystrophic epidermolysis bullosa. Last evaluated: 2026-08-18. Review status: criteria provided, single submitter. Criteria: Myriad Autosomal Dominant, Autosomal Recessive and X-Linked Classification Criteria (2023). Collection method: clinical testing. Allele origin: unknown.
Comment: NM_000094.3(COL7A1):c.5960delA(Q1987Rfs*18) is expected to be pathogenic in the context of dystrophic epidermolysis bullosa. This variant is predicted to lead to an abnormal or absent protein product due to the creation of a premature termination codon in COL7A1, a gene where loss-of-function variants are known to be pathogenic. Please note: this variant was assessed in the context of healthy population screening.

Fulgent Genetics
Classification: Likely pathogenic for Transient bullous dermolysis of the newborn; Generalized dominant dystrophic epidermolysis bullosa; Pretibial dystrophic epidermolysis bullosa; Dominant dystrophic epidermolysis bullosa with absence of skin; Recessive dystrophic epidermolysis bullosa; Epidermolysis bullosa pruriginosa; Nonsyndromic congenital nail disorder 8. Last evaluated: 2024-03-16. Review status: criteria provided, single submitter. Criteria: ACMG Guidelines, 2015. Collection method: clinical testing. Allele origin: germline.

Blueprint Genetics
Classification: Likely pathogenic for COL7A1-related disorders. Last evaluated: 2024-03-13. Review status: criteria provided, single submitter. Criteria: ACMG Guidelines, 2015. Collection method: clinical testing. Allele origin: germline. Affected: yes. Observed: 4 variant alleles.

NM_000094.4(COL7A1):c.5960del (p.Gln1987fs)

Gene: COL7A1 (collagen type VII alpha 1 chain; minus strand). Cytogenetic location: 3p21.31.
Variant type: Deletion.
Coding change: c.5960del on transcript NM_000094.4 (MANE Select); coding-DNA position 5960, one base deleted (A; older notation c.5960delA).
Protein change: p.Gln1987fs; shifts the reading frame from glutamine 1987.
Molecular consequence: frameshift variant.
Genome position (GRCh38, 1-based): chr3:48,575,645, T deleted on the plus strand (A on the coding strand, the reverse complement: COL7A1 is on the minus strand). VCF-style (leftmost placement, unchanged base first): chr3-48575644-CT-C. GRCh37 (hg19) VCF-style: chr3-48613077-CT-C.
Other names: short protein forms Q1987fs.
Identifiers: ClinVar variation 3589263 (VCV003589263.3).
Genomic context (GRCh38, chr3:48,575,644, plus strand): 5'-CCCACTCCACGGGGCACAACCCACTGAGCCACTTCTGCTCACCTCCTTGCCTGGGGGGCC[CT>C]GTTCGCCTGAGTCCCCCTTGGGGCCTCGACGCCGTTCGGGCACAGGCAGGAAGCTACCAG-3'